The following is an entry in ClinVar:

NM_153704.6(TMEM67):c.1131+3A>G

Gene: TMEM67 (transmembrane protein 67; plus strand). Cytogenetic location: 8q22.1.
Variant type: single nucleotide variant.
Coding change: c.1131+3A>G on transcript NM_153704.6 (MANE Select); 3 bases into the intron after coding-DNA position 1131, A replaced by G.
Molecular consequence: intron variant.
Genome position (GRCh38, 1-based): chr8:93,782,463, A>G. VCF-style: chr8-93782463-A-G. GRCh37 (hg19) VCF-style: chr8-94794691-A-G.
Other names: c.888+3A>G (NM_001142301.1).
Identifiers: ClinVar variation 1971955 (VCV001971955.3), dbSNP rs1242946238, ClinGen allele CA857057262.
Genomic context (GRCh38, chr8:93,782,463, plus strand): 5'-AGACACAGAGACAAGGCTAAATGCTGCTTATTCATTTGGAACAACCTACCAACAAAATGT[A>G]AGTTTGAACGATATTAGTCTATATTTTAGCTTTATTTTTCAAAATATCATGTCAGCAGTA-3'

ClinVar aggregate classification (germline): Uncertain significance (1 of 4 stars; one submission).

Conditions:
Joubert syndrome. Also called: CEREBELLOPARENCHYMAL DISORDER IV; JOUBERT-BOLTSHAUSER SYNDROME; Familial aplasia of the vermis. Identifiers: Orphanet 475, MedGen C5979921, MONDO:0018772.
Meckel-Gruber syndrome. Also called: DYSENCEPHALIA SPLANCHNOCYSTICA; GRUBER SYNDROME; Dysencephalia splachnocystica. Identifiers: Orphanet 564, MedGen C0265215, MONDO:0018921.

Allele frequency attached by ClinVar (database versions not stated): TOPMed below 0.00001.

Submission:

Labcorp Genetics (formerly Invitae), Labcorp
Classification: Uncertain significance for Joubert syndrome; Meckel-Gruber syndrome. Last evaluated: 2022-04-17. Review status: criteria provided, single submitter. Criteria: Invitae Variant Classification Sherloc (09022015). Collection method: clinical testing. Allele origin: germline.
Comment: Variants that disrupt the consensus splice site are a relatively common cause of aberrant splicing (PMID: 17576681, 9536098). Algorithms developed to predict the effect of sequence changes on RNA splicing suggest that this variant is not likely to affect RNA splicing. This variant has not been reported in the literature in individuals affected with TMEM67-related conditions. This variant is not present in population databases (gnomAD no frequency). This sequence change falls in intron 11 of the TMEM67 gene. It does not directly change the encoded amino acid sequence of the TMEM67 protein. It affects a nucleotide within the consensus splice site. In summary, the available evidence is currently insufficient to determine the role of this variant in disease. Therefore, it has been classified as a Variant of Uncertain Significance.

Literature cited by the submitters: PubMed 17576681; PubMed 9536098.